The following is an entry in ClinVar:

NM_033337.3(CAV3):c.110T>C (p.Val37Ala)

Gene: CAV3 (caveolin 3; plus strand). Cytogenetic location: 3p25.3.
Variant type: single nucleotide variant.
Coding change: c.110T>C on transcript NM_033337.3 (MANE Select); coding-DNA position 110, T replaced by C.
Protein change: p.Val37Ala; replaces valine 37 with alanine.
Molecular consequence: missense variant.
Genome position (GRCh38, 1-based): chr3:8,733,986, T>C. VCF-style: chr3-8733986-T-C. GRCh37 (hg19) VCF-style: chr3-8775672-T-C.
Other names: c.110T>C, p.Val37Ala (NM_001234.5); short protein forms V37A.
Identifiers: ClinVar variation 264147 (VCV000264147.8), dbSNP rs886039060, ClinGen allele CA10587580.

ClinVar aggregate classification (germline): Uncertain significance. Review status: criteria provided, multiple submitters, no conflicts (2 of 4 stars). 2 submissions from 2 submitters: Uncertain significance (2). Last evaluated 2024-01-24.

Conditions:
Cardiovascular phenotype. Identifiers: MedGen CN230736.
Long QT syndrome (LQTS). Identifiers: MedGen C0023976, MeSH D008133, MONDO:0002442. Disease mechanism: loss of function. Inheritance: Various modes of inheritance.

Allele frequency attached by ClinVar (database versions not stated): TOPMed below 0.00001.

Submissions (2):

Labcorp Genetics (formerly Invitae), Labcorp
Classification: Uncertain significance for Long QT syndrome. Last evaluated: 2024-01-24. Review status: criteria provided, single submitter. Criteria: Invitae Variant Classification Sherloc (09022015). Collection method: clinical testing. Allele origin: germline.
Comment: This sequence change replaces valine, which is neutral and non-polar, with alanine, which is neutral and non-polar, at codon 37 of the CAV3 protein (p.Val37Ala). This variant is not present in population databases (gnomAD no frequency). This variant has not been reported in the literature in individuals affected with CAV3-related conditions. ClinVar contains an entry for this variant (Variation ID: 264147). An algorithm developed to predict the effect of missense changes on protein structure and function (PolyPhen-2) suggests that this variant is likely to be disruptive. In summary, the available evidence is currently insufficient to determine the role of this variant in disease. Therefore, it has been classified as a Variant of Uncertain Significance.

Ambry Genetics
Classification: Uncertain significance for Cardiovascular phenotype. Last evaluated: 2015-07-15. Review status: criteria provided, single submitter. Criteria: Ambry Variant Classification Scheme 2023. Collection method: clinical testing. Allele origin: germline.
Comment: The p.V37A variant (also known as c.110T>C), located in coding exon 1 of the CAV3 gene, results from a T to C substitution at nucleotide position 110. The valine at codon 37 is replaced by alanine, an amino acid with similar properties. This variant was not reported in population based cohorts in the following databases: Database of Single Nucleotide Polymorphisms (dbSNP), NHLBI Exome Sequencing Project (ESP), and 1000 Genomes Project. In the ESP, this variant was not observed in 6503 samples (13006 alleles) with coverage at this position. This amino acid position is highly conserved in available vertebrate species. In addition, this alteration is predicted to be deleterious by in silico analysis. Since supporting evidence for this variant is limited at this time, its clinical significance is unclear.